The following is an entry in ClinVar:

ClinVar aggregate classification (germline): Uncertain significance. Review status: criteria provided, multiple submitters, no conflicts (2 of 4 stars). 2 submissions from 2 submitters: Uncertain significance (2). Last evaluated 2024-12-02.

Conditions:
Cortical dysplasia-focal epilepsy syndrome (PTHSL1). Also called: Pitt-Hopkins-like syndrome 1. Identifiers: Orphanet 163681, Orphanet 221150, MedGen C2750246, MONDO:0012400, OMIM 610042.

Allele frequency attached by ClinVar (database versions not stated): gnomAD 0.00001; gnomAD exomes 0.00002 and 0.00005; TOPMed 0.00002; ExAC 0.00004.
gnomAD v4.1: 15 of 1,613,874 alleles (0.00093%); highest among the groups gnomAD compares: Admixed American, 0.025%; no homozygotes.

Submissions (2):

Labcorp Genetics (formerly Invitae), Labcorp
Classification: Uncertain significance for Cortical dysplasia-focal epilepsy syndrome. Last evaluated: 2024-12-02. Review status: criteria provided, single submitter. Criteria: Invitae Variant Classification Sherloc (09022015). Collection method: clinical testing. Allele origin: germline.
Comment: This sequence change replaces glutamine, which is neutral and polar, with histidine, which is basic and polar, at codon 931 of the CNTNAP2 protein (p.Gln931His). This variant is present in population databases (rs768170033, gnomAD 0.03%). This variant has not been reported in the literature in individuals affected with CNTNAP2-related conditions. ClinVar contains an entry for this variant (Variation ID: 412000). An algorithm developed to predict the effect of missense changes on protein structure and function (PolyPhen-2) suggests that this variant¬†is likely to be tolerated. In summary, the available evidence is currently insufficient to determine the role of this variant in disease. Therefore, it has been classified as a Variant of Uncertain Significance.

GeneDx
Classification: Uncertain significance. Last evaluated: 2023-06-28. Review status: criteria provided, single submitter. Criteria: GeneDx Variant Classification Process June 2021. Collection method: clinical testing. Allele origin: germline. Affected: yes.
Comment: In silico analysis supports that this missense variant does not alter protein structure/function; Has not been previously published as pathogenic or benign to our knowledge

NM_014141.6(CNTNAP2):c.2793G>C (p.Gln931His)

Genes: CNTNAP2 (contactin associated protein 2; plus strand), LOC126860216 (BRD4-independent group 4 enhancer GRCh37_chr7:147868766-147869965; plus strand). Cytogenetic location: 7q35.
Variant type: single nucleotide variant.
Coding change: c.2793G>C on transcript NM_014141.6 (MANE Select); coding-DNA position 2793, G replaced by C.
Protein change: p.Gln931His; replaces glutamine 931 with histidine.
Molecular consequence: missense variant.
Genome position (GRCh38, 1-based): chr7:148,172,261, G>C. VCF-style: chr7-148172261-G-C. GRCh37 (hg19) VCF-style: chr7-147869353-G-C.
Other names: short protein forms Q931H.
Identifiers: ClinVar variation 412000 (VCV000412000.10), dbSNP rs768170033, ClinGen allele CA4546485.